The following is an entry in ClinVar:

NM_000522.5(HOXA13):c.704A>G (p.Tyr235Cys)

Genes: HOXA13 (homeobox A13; minus strand), LOC107126288 (NUP98-HOXA13 recombination region; plus strand). Cytogenetic location: 7p15.2.
Variant type: single nucleotide variant.
Coding change: c.704A>G on transcript NM_000522.5 (MANE Select); coding-DNA position 704, A replaced by G.
Protein change: p.Tyr235Cys; replaces tyrosine 235 with cysteine.
Molecular consequence: missense variant.
Genome position (GRCh38, 1-based): chr7:27,199,374, T>C on the plus strand (A>G on the coding strand, the complement: HOXA13 is on the minus strand). VCF-style: chr7-27199374-T-C. GRCh37 (hg19) VCF-style: chr7-27238993-T-C.
Other names: short protein forms Y235C.
Identifiers: ClinVar variation 5040023 (VCV005040023.1).

ClinVar aggregate classification (germline): Uncertain significance (1 of 4 stars; one submission).

Submission:

CeGaT Center for Human Genetics Tuebingen
Classification: Uncertain significance. Last evaluated: 2026-07-01. Review status: criteria provided, single submitter. Criteria: CeGaT Center For Human Genetics Tuebingen Variant Classification Criteria Version 2. Collection method: clinical testing. Allele origin: germline. Affected: yes. Observed: 1 variant allele.
Comment: HOXA13: PM2:Supporting, PP3